The following is an entry in ClinVar:

NM_018191.4(RCBTB1):c.711+4C>T

Gene: RCBTB1 (RCC1 and BTB domain containing protein 1; minus strand). Cytogenetic location: 13q14.2.
Variant type: single nucleotide variant.
Coding change: c.711+4C>T on transcript NM_018191.4 (MANE Select); 4 bases into the intron after coding-DNA position 711, C replaced by T.
Molecular consequence: intron variant.
Genome position (GRCh38, 1-based): chr13:49,552,174, G>A on the plus strand (C>T on the coding strand, the complement: RCBTB1 is on the minus strand). VCF-style: chr13-49552174-G-A. GRCh37 (hg19) VCF-style: chr13-50126310-G-A.
Other names: c.711+4C>T (NM_001352501.2, NM_001352502.2, NM_001352503.2 and 3 more transcripts); c.132+4C>T (NM_001352506.2).
Identifiers: ClinVar variation 959883 (VCV000959883.7), dbSNP rs779675956, ClinGen allele CA6982801.

ClinVar aggregate classification (germline): Conflicting classifications of pathogenicity. Review status: criteria provided, conflicting classifications (1 of 4 stars). 2 submissions from 2 submitters: Uncertain significance (1); Likely benign (1). Last evaluated 2025-09-14.

Allele frequency attached by ClinVar (database versions not stated): gnomAD 0.00004; TOPMed 0.00008; 1000 Genomes Project 30x 0.00016.
gnomAD v4.1: 45 of 1,558,494 alleles (0.0029%); highest among the groups gnomAD compares: East Asian, 0.079%; no homozygotes.

Submissions (2):

Labcorp Genetics (formerly Invitae), Labcorp
Classification: Uncertain significance. Last evaluated: 2025-09-14. Review status: criteria provided, single submitter. Criteria: Invitae Variant Classification Sherloc (09022015). Collection method: clinical testing. Allele origin: germline.
Comment: This sequence change falls in intron 7 of the RCBTB1 gene. It does not directly change the encoded amino acid sequence of the RCBTB1 protein. It affects a nucleotide within the consensus splice site. This variant is present in population databases (rs779675956, gnomAD 0.2%). This variant has not been reported in the literature in individuals affected with RCBTB1-related conditions. ClinVar contains an entry for this variant (Variation ID: 959883). Variants that disrupt the consensus splice site are a relatively common cause of aberrant splicing (PMID: 17576681, 9536098). Algorithms developed to predict the effect of sequence changes on RNA splicing suggest that this variant is not likely to affect RNA splicing. In summary, the available evidence is currently insufficient to determine the role of this variant in disease. Therefore, it has been classified as a Variant of Uncertain Significance.

Blueprint Genetics
Classification: Likely benign. Last evaluated: 2024-08-08. Review status: criteria provided, single submitter. Criteria: ACMG Guidelines, 2015. Collection method: clinical testing. Allele origin: germline.

Literature cited by the submitters: PubMed 17576681 (cited by Labcorp Genetics (formerly Invitae), Labcorp); PubMed 9536098 (cited by Labcorp Genetics (formerly Invitae), Labcorp).